The following is an entry in ClinVar:

NC_000023.11:g.101841760G>A

Gene: NXF5 (nuclear RNA export factor 5; minus strand). Cytogenetic location: Xq22.1.
Variant type: single nucleotide variant.
Molecular consequence: non-coding transcript variant (on NR_028089.1).
Genome position: GRCh38 VCF-style: chrX-101841760-G-A. GRCh37 (hg19) VCF-style: chrX-101096732-G-A.
Other names: NM_032946.2:c.154C>T.
Identifiers: ClinVar variation 2713448 (VCV002713448.4), dbSNP rs267606292, ClinGen allele CA10474714.

ClinVar aggregate classification (germline): Uncertain significance. Review status: criteria provided, multiple submitters, no conflicts (2 of 4 stars). 2 submissions from 2 submitters: Uncertain significance (2). Last evaluated 2025-07-14.

Allele frequency attached by ClinVar (database versions not stated): ExAC 0.00001; gnomAD exomes 0.00001; TOPMed 0.00005.

Submissions (2):

Labcorp Genetics (formerly Invitae), Labcorp
Classification: Uncertain significance. Last evaluated: 2025-07-14. Review status: criteria provided, single submitter. Criteria: Invitae Variant Classification Sherloc (09022015). Collection method: clinical testing. Allele origin: germline.
Comment: This sequence change replaces arginine, which is basic and polar, with tryptophan, which is neutral and slightly polar, at codon 52 of the NXF5 protein (p.Arg52Trp). This variant is present in population databases (rs267606292, gnomAD 0.006%). This variant has not been reported in the literature in individuals affected with NXF5-related conditions. ClinVar contains an entry for this variant (Variation ID: 2713448). An algorithm developed to predict the effect of missense changes on protein structure and function outputs the following: PolyPhen-2: "Benign". The tryptophan amino acid residue is found in multiple mammalian species, which suggests that this missense change does not adversely affect protein function. Algorithms developed to predict the effect of sequence changes on RNA splicing suggest that this variant may disrupt the consensus splice site. In summary, the available evidence is currently insufficient to determine the role of this variant in disease. Therefore, it has been classified as a Variant of Uncertain Significance.

Ambry Genetics
Classification: Uncertain significance. Last evaluated: 2024-03-04. Review status: criteria provided, single submitter. Criteria: Ambry Variant Classification Scheme 2023. Collection method: clinical testing. Allele origin: germline.